The following is an entry in ClinVar:

NM_001267550.2(TTN):c.94348_94349del (p.Glu31449_Arg31450insTer)

Genes: TTN (titin; minus strand), TTN-AS1 (TTN antisense RNA 1; plus strand). Cytogenetic location: 2q31.2.
Variant type: Deletion.
Coding change: c.94348_94349del on transcript NM_001267550.2 (MANE Select); coding-DNA positions 94348 to 94349, 2 bases deleted (CG; older notation c.94348_94349delCG).
Protein change: p.Glu31449_Arg31450insTer.
Molecular consequence: nonsense.
Genome position (GRCh38, 1-based): chr2:178,547,176-178,547,177, CG deleted on the plus strand (CG on the coding strand, the reverse complement: TTN is on the minus strand). VCF-style (leftmost placement, unchanged base first): chr2-178547175-ACG-A. GRCh37 (hg19) VCF-style: chr2-179411902-ACG-A.
Other names: c.89425_89426del, p.Glu29808_Arg29809insTer (NM_001256850.1); c.67153_67154del, p.Glu22384_Arg22385insTer (NM_003319.4); c.86644_86645del, p.Glu28881_Arg28882insTer (NM_133378.4); c.67528_67529del, p.Glu22509_Arg22510insTer (NM_133432.3); c.67729_67730del, p.Glu22576_Arg22577insTer (NM_133437.4).
Identifiers: ClinVar variation 4813441 (VCV004813441.1).

ClinVar aggregate classification (germline): Likely pathogenic (1 of 4 stars; one submission).

Conditions:
Dilated cardiomyopathy 1G (CMD1G). Identifiers: Orphanet 154, MedGen C1858763, MONDO:0011400, OMIM 604145.

Submission:

MVZ Praenatalmedizin und Genetik Nuernberg
Classification: Likely pathogenic for Dilated cardiomyopathy 1G. Last evaluated: 2024-11-12. Review status: criteria provided, single submitter. Criteria: ACMG Guidelines, 2015. Collection method: clinical testing. Allele origin: germline. Affected: yes.
Comment: This variant leads to a frameshift in exon 340 of 363. Loss-of-function variants in this exon are consistently classified in ClinVar as pathogenic or likely pathogenic. The variant is furthermore located within the A-band region of the TTN protein. This variant was therefore classified as likely pathogenic.